The following is an entry in ClinVar:

ClinVar aggregate classification (germline): Uncertain significance. Review status: criteria provided, multiple submitters, no conflicts (2 of 4 stars). 2 submissions from 2 submitters: Uncertain significance (2). Last evaluated 2023-02-23.

Conditions:
Inborn genetic diseases. Identifiers: MedGen C0950123, MeSH D030342.

Allele frequency attached by ClinVar (database versions not stated): gnomAD exomes below 0.00001.
gnomAD v4.1: 4 of 1,614,174 alleles (0.00025%); highest among the groups gnomAD compares: Non-Finnish European, 0.00034%; no homozygotes.

Submissions (2):

Ambry Genetics
Classification: Uncertain significance for Inborn genetic diseases. Last evaluated: 2023-02-23. Review status: criteria provided, single submitter. Criteria: Ambry Variant Classification Scheme 2023. Collection method: clinical testing. Allele origin: germline.

Labcorp Genetics (formerly Invitae), Labcorp
Classification: Uncertain significance. Last evaluated: 2022-05-04. Review status: criteria provided, single submitter. Criteria: Invitae Variant Classification Sherloc (09022015). Collection method: clinical testing. Allele origin: germline.
Comment: This variant has not been reported in the literature in individuals affected with PPP2R5D-related conditions. This sequence change replaces glutamine, which is neutral and polar, with leucine, which is neutral and non-polar, at codon 545 of the PPP2R5D protein (p.Gln545Leu). This variant is present in population databases (no rsID available, gnomAD 0.002%). Algorithms developed to predict the effect of missense changes on protein structure and function (SIFT, PolyPhen-2, Align-GVGD) all suggest that this variant is likely to be tolerated. In summary, the available evidence is currently insufficient to determine the role of this variant in disease. Therefore, it has been classified as a Variant of Uncertain Significance.

NM_006245.4(PPP2R5D):c.1634A>T (p.Gln545Leu)

Gene: PPP2R5D (protein phosphatase 2 regulatory subunit B'delta; plus strand). Cytogenetic location: 6p21.1.
Variant type: single nucleotide variant.
Coding change: c.1634A>T on transcript NM_006245.4 (MANE Select); coding-DNA position 1634, A replaced by T.
Protein change: p.Gln545Leu; replaces glutamine 545 with leucine.
Molecular consequence: missense variant.
Genome position (GRCh38, 1-based): chr6:43,010,960, A>T. VCF-style: chr6-43010960-A-T. GRCh37 (hg19) VCF-style: chr6-42978698-A-T.
Other names: c.1181A>T, p.Gln394Leu (NM_001270476.2); c.1538A>T, p.Gln513Leu (NM_180976.3); c.1316A>T, p.Gln439Leu (NM_180977.3); c.1634A>T (NM_006245.2); short protein forms Q513L, Q545L, Q394L, Q439L.
Identifiers: ClinVar variation 1918347 (VCV001918347.7), dbSNP rs1227119131, ClinGen allele CA364142436.
Genomic context (GRCh38, chr6:43,010,960, plus strand): 5'-CTCCACCACTGCCCCCTGTGTACTCGATGGAGACAGAGACCCCCACAGCTGAGGACATCC[A>T]GCTTCTGAAGAGGACTGTGGAGACTGAGGCTGTTCAGGTGGGAGGGCAATGTAGGGGGAT-3'
Protein context (NP_006236.1, residues 535-555): ETETPTAEDI[Gln545Leu]LLKRTVETEA